The following is an entry in ClinVar:

ClinVar aggregate classification (germline): Pathogenic. Review status: reviewed by expert panel (3 of 4 stars). 8 submissions from 8 submitters: Pathogenic (1). 7 of the submissions do not count toward it. Last evaluated 2024-02-02.

Conditions:
Hereditary factor IX deficiency disease (HEMB). Also called: F9 DEFICIENCY; FACTOR IX DEFICIENCY; PLASMA THROMBOPLASTIN COMPONENT DEFICIENCY; Christmas Disease; Hemophilia B. Identifiers: Orphanet 98879, MedGen C0008533, MeSH D002836, MONDO:0010604, OMIM 306900.
Hereditary factor VIII deficiency disease (HEMA). Also called: HEMOPHILIA, CLASSIC; AUTOSOMAL HEMOPHILIA A; Hemophilia A; Hemophilia A, congenital; HEM A; Factor 8 deficiency, congenital. Identifiers: Orphanet 98878, MedGen C0019069, MONDO:0010602, OMIM 306700.

Submissions (8):

ClinGen Coagulation Factor Deficiency Variant Curation Expert Panel, Clingen
Classification: Pathogenic for Hereditary factor VIII deficiency disease. Last evaluated: 2024-02-02. Review status: reviewed by expert panel. Criteria: ClinGen CoagFactor ACMG Specifications F8 V1.0.0. Collection method: curation. Allele origin: germline. Inheritance: X-linked inheritance.
Comment: The c.1804C>T (p.Arg602Ter) variant is a nonsense variant that is predicted to introduce a premature stop codon in exon 12 and expected to result in nonsense-mediated mRNA decay. This variant is absent from males in gnomAD v2.1.1 and v3.1.1, which meets criteria for PM2_Supporting. More than 25 patients with moderate-severe hemophilia A are reported in the literature and internal laboratory data, meeting criteria for PS4_Very Strong and PP4_Moderate (PMID: 29296726, 18387975, 18691168, 16769589, 8639447, 20331761). In summary, this variant meets criteria to be classified as pathogenic. ACMG/AMP criteria applied, as specified by the Coagulation Factor Deficiency Variant Curation Expert Panel for F8/F9: PVS1, PS4_Very Strong, PP4_Moderate, PM2_Supporting.

Clinical Genetics Laboratory, Skane University Hospital Lund
Classification: Pathogenic for Hereditary factor VIII deficiency disease. Last evaluated: 2026-03-04. Review status: criteria provided, single submitter. Criteria: ACMG Guidelines, 2015. Collection method: clinical testing. Allele origin: germline. Inheritance: X-linked inheritance. Affected: yes. Not counted in ClinVar's aggregate classification.
Comment: The variant has been classified as pathogenic using gene-specific criteria (ClinGen Coagulation Factor Deficiency Expert Panel Specifications to the ACMG/AMP Variant Interpretation Guidelines for F8 Version 2.0.0): PVS1, PS4_Very Strong, PM2_Supporting, PP4_Moderate.

Genomic Medicine Center of Excellence, King Faisal Specialist Hospital and Research Centre
Classification: Pathogenic for Hereditary factor VIII deficiency disease. Last evaluated: 2024-12-18. Review status: criteria provided, single submitter. Criteria: ACMG Guidelines, 2015. Collection method: clinical testing. Allele origin: germline. Not counted in ClinVar's aggregate classification.

Myriad Genetics, Inc.
Classification: Pathogenic for Hereditary factor VIII deficiency disease. Last evaluated: 2024-07-17. Review status: criteria provided, single submitter. Criteria: Myriad Autosomal Dominant, Autosomal Recessive and X-Linked Classification Criteria (2023). Collection method: clinical testing. Allele origin: unknown. Not counted in ClinVar's aggregate classification.
Comment: NM_000132.3(F8):c.1804C>T(R602*) is expected to be pathogenic in the context of hemophilia A. This variant is predicted to lead to an abnormal or absent protein product due to the creation of a premature termination codon in F8, a gene where loss-of-function variants are known to be pathogenic. Please note: this variant was assessed in the context of healthy population screening.

3billion
Classification: Pathogenic for Hereditary factor VIII deficiency disease. Last evaluated: 2023-02-23. Review status: criteria provided, single submitter. Criteria: ACMG Guidelines, 2015. Collection method: clinical testing. Allele origin: unknown. Affected: yes. Not counted in ClinVar's aggregate classification.
Comment: The variant is not observed in the gnomAD v2.1.1 dataset. This variant was predicted to result in a loss or disruption of normal protein function through nonsense-mediated decay (NMD) or protein truncation. Multiple pathogenic variants are reported downstream of the variant. The variant has been reported at least twice as pathogenic without evidence for the classification (ClinVar ID: VCV000010232 / PMID: 1979502). Therefore, this variant is classified as Pathogenic according to the recommendation of ACMG/AMP guideline.

NIHR Bioresource Rare Diseases, University of Cambridge
Classification: Pathogenic for Hereditary factor IX deficiency disease. Last evaluated: 2019-02-01. Review status: criteria provided, single submitter. Criteria: ACMG Guidelines, 2015. Collection method: research. Allele origin: unknown. Affected: yes. Observed: 1 hemizygote. Study: ThromboGenomics. Not counted in ClinVar's aggregate classification.

ARUP Laboratories, Molecular Genetics and Genomics, ARUP Laboratories
Classification: Pathogenic for Hereditary factor VIII deficiency disease. Last evaluated: 2018-10-05. Review status: criteria provided, single submitter. Criteria: ARUP Molecular Germline Variant Investigation Process. Collection method: clinical testing. Allele origin: germline. Not counted in ClinVar's aggregate classification.
Comment: The F8 c.1804C>T; p.Arg602Ter variant (rs137852424), also known as R583X, is reported in the literature in multiple individuals affected with moderate to severe hemophilia A (Johnsen 2017, Lu 2018, Salviato 2007, F8 database and references therein). This variant is reported in ClinVar (Variation ID: 10232), and is absent from general population databases (1000 Genomes Project, Exome Variant Server, and Genome Aggregation Database), indicating it is not a common polymorphism. This variant induces an early termination codon and is predicted to result in a truncated protein or mRNA subject to nonsense-mediated decay. Functional analyses of the variant protein show a lack of immunofluorescence staining, suggesting degradation of the truncated RNA occurs (Zimmermann 2014). Based on available information, the p.Arg602Ter variant is considered to be pathogenic. References: Link to F8 database: Johnsen JM et al. Novel approach to genetic analysis and results in 3000 hemophilia patients enrolled in the My Life, Our Future initiative. Blood Adv. 2017 May 18;1(13):824-834. Lu Y et al. Spectrum and origin of mutations in sporadic cases of haemophilia A in China. Haemophilia. 2018 Mar;24(2):291-298. Salviato R et al. F8 gene mutation profile and ITT response in a cohort of Italian haemophilia A patients with inhibitors. Haemophilia. 2007 Jul;13(4):361-72. Zimmermann MA et al. Expression studies of mutant factor VIII alleles with premature termination codons with regard to inhibitor formation. Haemophilia. 2014 May;20(3):e215-21.

OMIM
Classification: Pathogenic for HEMOPHILIA A. Last evaluated: 1995-01-01. Review status: no assertion criteria provided. Collection method: literature only. Allele origin: germline. Not counted in ClinVar's aggregate classification.

Literature cited by the submitters: PubMed 1979502 (cited by 3billion and OMIM); PubMed 31064749 (cited by NIHR Bioresource Rare Diseases, University of Cambridge); PubMed 1349567 (cited by OMIM); PubMed 7728145 (cited by OMIM).

NM_000132.4(F8):c.1804C>T (p.Arg602Ter)

Gene: F8 (coagulation factor VIII; minus strand). Cytogenetic location: Xq28.
Variant type: single nucleotide variant.
Coding change: c.1804C>T on transcript NM_000132.4 (MANE Select); coding-DNA position 1804, C replaced by T.
Protein change: p.Arg602Ter; replaces arginine 602 with a stop codon.
Molecular consequence: nonsense.
Genome position (GRCh38, 1-based): chrX:154,953,991, G>A on the plus strand (C>T on the coding strand, the complement: F8 is on the minus strand). VCF-style: chrX-154953991-G-A. GRCh37 (hg19) VCF-style: chrX-154182266-G-A.
Other names: F8, ARG583TER; R583*; NM_000132.3(F8):c.1804C>T; p.Arg602Ter; short protein forms R602*.
Identifiers: ClinVar variation 10232 (VCV000010232.17), dbSNP rs137852424, ClinGen allele CA255124.